The following is an entry in ClinVar:

ClinVar aggregate classification (germline): Uncertain significance. Review status: criteria provided, multiple submitters, no conflicts (2 of 4 stars). 2 submissions from 2 submitters: Uncertain significance (2). Last evaluated 2023-03-08.

gnomAD v4.1: 27 of 1,613,106 alleles (0.0017%); highest among the groups gnomAD compares: East Asian, 0.0022%; no homozygotes.

Submissions (2):

Labcorp Genetics (formerly Invitae), Labcorp
Classification: Uncertain significance. Last evaluated: 2023-03-08. Review status: criteria provided, single submitter. Criteria: Invitae Variant Classification Sherloc (09022015). Collection method: clinical testing. Allele origin: germline.
Comment: This variant has not been reported in the literature in individuals affected with PDE6B-related conditions. Advanced modeling of protein sequence and biophysical properties (such as structural, functional, and spatial information, amino acid conservation, physicochemical variation, residue mobility, and thermodynamic stability) has been performed at Invitae for this missense variant, however the output from this modeling did not meet the statistical confidence thresholds required to predict the impact of this variant on PDE6B protein function. In summary, the available evidence is currently insufficient to determine the role of this variant in disease. Therefore, it has been classified as a Variant of Uncertain Significance. The frequency data for this variant in the population databases is considered unreliable, as metrics indicate poor data quality at this position in the gnomAD database. This sequence change replaces arginine, which is basic and polar, with histidine, which is basic and polar, at codon 444 of the PDE6B protein (p.Arg444His).

Blueprint Genetics
Classification: Uncertain significance. Last evaluated: 2019-11-13. Review status: criteria provided, single submitter. Criteria: ACMG Guidelines, 2015. Collection method: clinical testing. Allele origin: germline.

NM_000283.4(PDE6B):c.1331G>A (p.Arg444His)

Gene: PDE6B (phosphodiesterase 6B; plus strand). Cytogenetic location: 4p16.3.
Variant type: single nucleotide variant.
Coding change: c.1331G>A on transcript NM_000283.4 (MANE Select); coding-DNA position 1331, G replaced by A.
Protein change: p.Arg444His; replaces arginine 444 with histidine.
Molecular consequence: missense variant.
Genome position (GRCh38, 1-based): chr4:657,424, G>A. VCF-style: chr4-657424-G-A. GRCh37 (hg19) VCF-style: chr4-651213-G-A.
Other names: c.1331G>A, p.Arg444His (NM_001145291.2); c.494G>A, p.Arg165His (NM_001145292.2, NM_001350154.3, NM_001379246.1 and 1 more transcripts); c.176G>A, p.Arg59His (NM_001350155.3); short protein forms R59H, R444H, R165H.
Identifiers: ClinVar variation 2874281 (VCV002874281.4), dbSNP rs756711483, ClinGen allele CA355914038.